The following is an entry in ClinVar:

NM_018161.5(NADSYN1):c.475G>A (p.Gly159Arg)

Gene: NADSYN1 (NAD synthetase 1; plus strand). Cytogenetic location: 11q13.4.
Variant type: single nucleotide variant.
Coding change: c.475G>A on transcript NM_018161.5 (MANE Select); coding-DNA position 475, G replaced by A.
Protein change: p.Gly159Arg; replaces glycine 159 with arginine.
Molecular consequence: missense variant.
Genome position (GRCh38, 1-based): chr11:71,473,293, G>A. VCF-style: chr11-71473293-G-A. GRCh37 (hg19) VCF-style: chr11-71184339-G-A.
Other names: short protein forms G159R.
Identifiers: ClinVar variation 4845261 (VCV004845261.3), dbSNP rs140954879.

ClinVar aggregate classification (germline): Uncertain significance. Review status: criteria provided, single submitter (1 of 4 stars). 2 submissions from 2 submitters: Uncertain significance (1). 1 of the submissions does not count toward it. Last evaluated 2024-07-03.

Conditions:
Vertebral, cardiac, renal, and limb defects syndrome 3. Also called: CONGENITAL NAD DEFICIENCY DISORDER 3. Identifiers: MedGen C5394250, MONDO:0030077, OMIM 618845.

gnomAD v4.1: 10 of 1,614,064 alleles (0.00062%); highest among the groups gnomAD compares: African/African-American, 0.0027%; no homozygotes.

Submissions (2):

Dasa
Classification: Uncertain significance. Last evaluated: 2024-07-03. Review status: criteria provided, single submitter. Criteria: DASA Assertion Criteria. Collection method: clinical testing. Allele origin: germline.
Comment: NM_018161.5(NADSYN1):c.475G>A (p.Gly159Arg) is a missense variant that results in the substitution of glycine with arginine. This variant has been observed in affected individuals with NADSYN1-related disorders. Also, this variant is rare in population databases. Computational prediction algorithms are consistent with a deleterious effect. The currently available literature and clinical evidence are not sufficient to establish a definitive association between this variant and the reported condition. Therefore, this variant is classified as a variant of uncertain significance.

Diagnostics Centre, Carl Von Ossietzky University Oldenburg
Classification: Likely pathogenic for Vertebral, cardiac, renal, and limb defects syndrome 3. Last evaluated: 2025-08-11. Review status: no assertion criteria provided. Collection method: clinical testing. Allele origin: germline. Affected: yes. Observed: 1 variant allele. Not counted in ClinVar's aggregate classification.
Comment: The variant NADSYN1:c.475G>A p.(Gly159Arg), located in the exon 7 of the NADSYN1gene results from a guanine-to-adenine substitution at nucleotide position c.475. The glycine residue is replaced by an arginine at protein position 159. The affected position is located in the essential CN hydrolase functional domain of the protein. In silico tools predicts a moderate deleterious effect in the protein structure and function (REVEL = 0.884). The variant has not yet been described in ClinVar or in any publications known to us. The variant is classified as rare in the general population (MAF 6.1 * e-6 in gnomAD). In summary, this variant is classified as Likely pathogenic.